The following is an entry in ClinVar:

NM_001282225.2(ADA2):c.882-3C>G

Gene: ADA2 (adenosine deaminase 2; minus strand). Cytogenetic location: 22q11.1.
Variant type: single nucleotide variant.
Coding change: c.882-3C>G on transcript NM_001282225.2 (MANE Select); 3 bases into the intron before coding-DNA position 882, C replaced by G.
Molecular consequence: intron variant.
Genome position (GRCh38, 1-based): chr22:17,190,035, G>C on the plus strand (C>G on the coding strand, the complement: ADA2 is on the minus strand). VCF-style: chr22-17190035-G-C. GRCh37 (hg19) VCF-style: chr22-17670925-G-C.
Other names: c.756-3C>G (NM_001282227.2, NM_001282228.2); c.522-3C>G (NM_001282229.2); c.882-3C>G (NM_001282226.2); c.159-3C>G (NM_177405.3).
Identifiers: ClinVar variation 842616 (VCV000842616.2), dbSNP rs2062095551, ClinGen allele CA916083781.
Genomic context (GRCh38, chr22:17,190,035, plus strand): 5'-GATTCGGAGCCCCATGGCCATTCGGATGGATTCTGCGATGACAGCCACATCTTTGGATCT[G>C]TGAGACAGACAGAGAAGCCAGGAGACAGTGCCCAGCACCGACAGAGCACAAACCCCAGAG-3'

ClinVar aggregate classification (germline): Uncertain significance. Review status: criteria provided, multiple submitters, no conflicts (2 of 4 stars). 2 submissions from 2 submitters: Uncertain significance (2). Last evaluated 2024-08-20.

Conditions:
Deficiency of adenosine deaminase 2. Also called: Polyarteritis nodosa, childhoood-onset; Adenosine Deaminase 2 Deficiency; VASCULITIS, AUTOINFLAMMATION, IMMUNODEFICIENCY, AND HEMATOLOGIC DEFECTS SYNDROME. Identifiers: Orphanet 404553, MedGen C3887654, MONDO:0014306, OMIM 615688, MONDO:0100317.

Submissions (2):

3billion
Classification: Uncertain significance for Deficiency of adenosine deaminase 2. Last evaluated: 2024-08-20. Review status: criteria provided, single submitter. Criteria: ACMG Guidelines, 2015. Collection method: clinical testing. Allele origin: germline. Affected: yes.
Comment: The variant is not observed in the gnomAD v4.0.0 dataset. Predicted Consequence/Location: Intron variant In silico tools predict the variant to alter splicing and produce an abnormal transcript [SpliceAI: 0.79 (>=0.2, moderate evidence for spliceogenicity)]. The variant has been reported as of uncertain significance (ClinVar ID: VCV000842616). Therefore, this variant is classified as VUS according to the recommendation of ACMG/AMP guideline.

Labcorp Genetics (formerly Invitae), Labcorp
Classification: Uncertain significance for Polyarteritis nodosa, childhoood-onset. Last evaluated: 2020-01-12. Review status: criteria provided, single submitter. Criteria: Invitae Variant Classification Sherloc (09022015). Collection method: clinical testing. Allele origin: germline.
Comment: This sequence change falls in intron 5 of the ADA2 gene. It does not directly change the encoded amino acid sequence of the ADA2 protein, but it affects a nucleotide within the consensus splice site of the intron. This variant is not present in population databases (ExAC no frequency). This variant has not been reported in the literature in individuals with ADA2-related conditions. Nucleotide substitutions within the consensus splice site are a relatively common cause of aberrant splicing (PMID: 17576681, 9536098). Algorithms developed to predict the effect of sequence changes on RNA splicing suggest that this variant may disrupt the consensus splice site, but this prediction has not been confirmed by published transcriptional studies. In summary, the available evidence is currently insufficient to determine the role of this variant in disease. Therefore, it has been classified as a Variant of Uncertain Significance.